The following is an entry in ClinVar:

ClinVar aggregate classification (germline): Likely pathogenic. Review status: criteria provided, multiple submitters, no conflicts (2 of 4 stars). 2 submissions from 2 submitters: Likely pathogenic (2). Last evaluated 2024-11-29.

Conditions:
Mucopolysaccharidosis, MPS-I-H/S. Also called: Mucopolysaccharidosis type IH/S. Identifiers: Orphanet 93476, MedGen C0086431, MONDO:0011759, OMIM 607015.
Mucopolysaccharidosis, MPS-I-S. Also called: MPS V; MUCOPOLYSACCHARIDOSIS TYPE V; Scheie Syndrome; MUCOPOLYSACCHARIDOSIS TYPE IS. Identifiers: Orphanet 93474, MedGen C0026708, MONDO:0011760, OMIM 607016.
Hurler syndrome. Also called: Gargoylism, Hurler Syndrome; MUCOPOLYSACCHARIDOSIS TYPE IH; Severe MPS I (Hurler Syndrome). Identifiers: Orphanet 93473, MedGen C0086795, MONDO:0011758, OMIM 607014.
Mucopolysaccharidosis type 1. Also called: IDUA deficiency; MPS I; Mucopolysaccharidosis Type I. Identifiers: Orphanet 579, MedGen C0023786, MONDO:0001586.

Submissions (2):

Natera, Inc.
Classification: Likely pathogenic for Mucopolysaccharidosis type I. Last evaluated: 2024-11-29. Review status: criteria provided, single submitter. Criteria: Natera Variant Classification Schema (03/2026). Collection method: clinical testing. Allele origin: germline.
Comment: The c.615_636delinsAACTACTACG variant in IDUA is a deletion-insertion (delins) variant predicted to replace one or more nucleotides with a different sequence. This variant is expected to result in nonsense mediated decay, truncation, or a dysfunctional protein product. This variant is rare in the general population with a frequency below the threshold expected for the associated phenotype(s). Given the available evidence, this variant is classified as Likely Pathogenic.

Fulgent Genetics
Classification: Likely pathogenic for Hurler syndrome; Mucopolysaccharidosis, MPS-I-H/S; Mucopolysaccharidosis, MPS-I-S. Last evaluated: 2024-04-19. Review status: criteria provided, single submitter. Criteria: ACMG Guidelines, 2015. Collection method: clinical testing. Allele origin: germline.

NM_000203.5(IDUA):c.615_636delinsAACTACTACG (p.Cys205_Ala212delinsTer)

Gene: IDUA (alpha-L-iduronidase; plus strand). Cytogenetic location: 4p16.3.
Variant type: Indel.
Coding change: c.615_636delinsAACTACTACG on transcript NM_000203.5 (MANE Select); coding-DNA positions 615 to 636, CTCGGAGGGTCTGCGCGCCGCC replaced by AACTACTACG.
Protein change: p.Cys205_Ala212delinsTer.
Molecular consequence: nonsense. On other transcripts: non-coding transcript variant (1).
Genome position (GRCh38, 1-based): chr4:1,001,704-1,001,725, CTCGGAGGGTCTGCGCGCCGCC replaced by AACTACTACG. VCF-style: chr4-1001704-CTCGGAGGGTCTGCGCGCCGCC-AACTACTACG. GRCh37 (hg19) VCF-style: chr4-995492-CTCGGAGGGTCTGCGCGCCGCC-AACTACTACG.
Other names: c.219_240delinsAACTACTACG, p.Cys73_Ala80delinsTer (NM_001363576.1); c.615_636delinsAACTACTACG (NM_000203.4).
Identifiers: ClinVar variation 3591554 (VCV003591554.2).